The following is an entry in ClinVar:

ClinVar aggregate classification (germline): Uncertain significance. Review status: criteria provided, multiple submitters, no conflicts (2 of 4 stars). 2 submissions from 2 submitters: Uncertain significance (2). Last evaluated 2022-04-15.

Allele frequency attached by ClinVar (database versions not stated): gnomAD 0.00001; gnomAD exomes 0.00001 and 0.00006; TOPMed 0.00001; ExAC 0.00002; ESP Exome Variant Server 0.00008.
gnomAD v4.1: 87 of 1,612,618 alleles (0.0054%); highest among the groups gnomAD compares: Non-Finnish European, 0.0072%; no homozygotes.

Submissions (2):

Athena Diagnostics
Classification: Uncertain significance. Last evaluated: 2022-04-15. Review status: criteria provided, single submitter. Criteria: Athena Diagnostics Criteria. Collection method: clinical testing. Allele origin: unknown.

Laboratory for Molecular Medicine, Mass General Brigham Personalized Medicine
Classification: Uncertain significance. Last evaluated: 2015-03-18. Review status: criteria provided, single submitter. Criteria: LMM Criteria. Collection method: clinical testing. Allele origin: germline. Observed: 1 variant allele.
Comment: The p.Val19636Met variant in TTN has not been previously reported in individuals with cardiomyopathy, but has been identified in 2/65176 European chromosomes by the Exome Aggregation Consortium (ExAC; dbSNP r s376238023). Computational prediction tools and conservation analysis do not pro vide strong support for or against an impact to the protein, though 2 fish speci es have a methionine (Met) at this position which raises the possibility that th is change may be tolerated. In summary, the clinical significance of the p.Val19 636Met variant is uncertain.

NM_001267550.2(TTN):c.66610G>A (p.Val22204Met)

Genes: TTN (titin; minus strand), TTN-AS1 (TTN antisense RNA 1; plus strand). Cytogenetic location: 2q31.2.
Variant type: single nucleotide variant.
Coding change: c.66610G>A on transcript NM_001267550.2 (MANE Select); coding-DNA position 66610, G replaced by A.
Protein change: p.Val22204Met; replaces valine 22204 with methionine.
Molecular consequence: missense variant.
Genome position (GRCh38, 1-based): chr2:178,581,658, C>T on the plus strand (G>A on the coding strand, the complement: TTN is on the minus strand). VCF-style: chr2-178581658-C-T. GRCh37 (hg19) VCF-style: chr2-179446385-C-T.
Other names: c.61687G>A, p.Val20563Met (NM_001256850.1); c.39415G>A, p.Val13139Met (NM_003319.4); c.39790G>A, p.Val13264Met (NM_133432.3); c.39991G>A, p.Val13331Met (NM_133437.4); c.66610G>A (NM_001267550.1); c.58906G>A, p.Val19636Met (NM_133378.4); short protein forms V19636M, V22204M, V20563M, V13331M, V13139M, V13264M.
Identifiers: ClinVar variation 229493 (VCV000229493.6), dbSNP rs376238023, ClinGen allele CA1991470.
Genomic context (GRCh38, chr2:178,581,658, plus strand): 5'-CCATCAGGCCAGTAACCTCAAAGCGGGTTTTCTGTAGATTCTGTGGTAAGTTGCACCTCA[C>T]CCAGTTATCGGAGTCAGCCCGTTTTACTTCAACGAGATAACCAATGATAGGGCTGCCGCC-3'
Protein context (NP_001254479.2, residues 22194-22214): EVKRADSDNW[Val22204Met]RCNLPQNLQK